The following is an entry in ClinVar:

ClinVar aggregate classification (germline): Likely benign (1 of 4 stars; one submission).

gnomAD v4.1: 3 of 1,613,900 alleles (0.00019%); no homozygotes.

Submission:

CeGaT Center for Human Genetics Tuebingen
Classification: Likely benign. Last evaluated: 2026-02-01. Review status: criteria provided, single submitter. Criteria: CeGaT Center For Human Genetics Tuebingen Variant Classification Criteria Version 2. Collection method: clinical testing. Allele origin: germline. Affected: yes. Observed: 1 variant allele.
Comment: TBX20: BP4, BP7

NM_001077653.2(TBX20):c.915A>G (p.Gln305=)

Gene: TBX20 (T-box transcription factor 20; minus strand). Cytogenetic location: 7p14.2.
Variant type: single nucleotide variant.
Coding change: c.915A>G on transcript NM_001077653.2 (MANE Select); coding-DNA position 915, A replaced by G.
Protein change: p.Gln305=; no amino-acid change (glutamine 305 retained).
Molecular consequence: synonymous variant.
Genome position (GRCh38, 1-based): chr7:35,204,558, T>C on the plus strand (A>G on the coding strand, the complement: TBX20 is on the minus strand). VCF-style: chr7-35204558-T-C. GRCh37 (hg19) VCF-style: chr7-35244170-T-C.
Identifiers: ClinVar variation 4822581 (VCV004822581.4).